The following is an entry in ClinVar:

NM_005141.5(FGB):c.936del (p.Lys313fs)

Gene: FGB (fibrinogen beta chain; plus strand). Cytogenetic location: 4q31.3.
Variant type: Deletion.
Coding change: c.936del on transcript NM_005141.5 (MANE Select); coding-DNA position 936, one base deleted (G; older notation c.936delG).
Protein change: p.Lys313fs; shifts the reading frame from lysine 313.
Molecular consequence: frameshift variant. On other transcripts: intron variant (1).
Genome position (GRCh38, 1-based): chr4:154,569,285, G deleted; the last of 3 consecutive G bases (chr4:154,569,283-154,569,285); deleting any one gives the same sequence. VCF-style (leftmost placement, unchanged base first): chr4-154569282-TG-T. GRCh37 (hg19) VCF-style: chr4-155490434-TG-T.
Other names: p.Lys313Argfs*29; c.759del, p.Lys254fs (NM_001184741.1); c.804del, p.Lys269fs (NM_001382759.1); c.936del, p.Lys313fs (NM_001382760.1, NM_001382761.1, NM_001382764.1 and 1 more transcripts); c.927del, p.Lys310fs (NM_001382763.1); c.936delG, p.Lys313Argfs (NM_005141.4); c.746-316del (NM_001382762.1); short protein forms K310fs, K313fs, K254fs, K269fs.
Identifiers: ClinVar variation 4541008 (VCV004541008.1).
Genomic context (GRCh38, chr4:154,569,282, plus strand): 5'-CTTTGGCAGGAAATGGGATCCATATAAACAGGGATTTGGAAATGTTGCAACCAACACAGA[TG>T]GGAAGAATTACTGTGGCCTACCAGGTAACGAACAGGCATGCAAAATAAAATCATTCTATT-3'

ClinVar aggregate classification (germline): Likely pathogenic (1 of 4 stars; one submission).

Submission:

Mayo Clinic Laboratories, Mayo Clinic
Classification: Likely pathogenic. Last evaluated: 2025-01-30. Review status: criteria provided, single submitter. Criteria: ACMG Guidelines, 2015. Collection method: clinical testing. Allele origin: germline. Observed: 1 variant allele.
Comment: PM2_supporting, PVS1